The following is an entry in ClinVar:

ClinVar aggregate classification (germline): Likely pathogenic (0 of 4 stars; one submission).

Conditions:
NPHP4-related disorder. Also called: NPHP4-related condition; NPHP4-related disorders. Identifiers: MedGen CN239384.

Submission:

PreventionGenetics, part of Exact Sciences
Classification: Likely pathogenic for NPHP4-related condition. Last evaluated: 2024-03-08. Review status: no assertion criteria provided. Collection method: clinical testing. Allele origin: germline.
Comment: The NPHP4 c.3940C>T variant is predicted to result in premature protein termination (p.Gln1314*). To our knowledge, this variant has not been reported in the literature or in a large population database, indicating this variant is rare. Nonsense variants in NPHP4 are expected to be pathogenic. This variant is interpreted as likely pathogenic.

NM_015102.5(NPHP4):c.3940C>T (p.Gln1314Ter)

Gene: NPHP4 (nephrocystin 4; minus strand). Cytogenetic location: 1p36.31.
Variant type: single nucleotide variant.
Coding change: c.3940C>T on transcript NM_015102.5 (MANE Select); coding-DNA position 3940, C replaced by T.
Protein change: p.Gln1314Ter; replaces glutamine 1314 with a stop codon.
Molecular consequence: nonsense. On other transcripts: non-coding transcript variant (1).
Genome position (GRCh38, 1-based): chr1:5,864,394, G>A on the plus strand (C>T on the coding strand, the complement: NPHP4 is on the minus strand). VCF-style: chr1-5864394-G-A. GRCh37 (hg19) VCF-style: chr1-5924454-G-A.
Other names: c.2401C>T, p.Gln801Ter (NM_001291593.2); c.2404C>T, p.Gln802Ter (NM_001291594.2); short protein forms Q1314*, Q801*, Q802*.
Identifiers: ClinVar variation 3348975 (VCV003348975.1).
Genomic context (GRCh38, chr1:5,864,394, plus strand): 5'-AGACCTTGGAGATGAGCGGCTGGCGGCAGCAGAGGCACACGAGCCAGGAGGCCACCAGCT[G>A]GTGGCAATCCACGTCCACCAGGTTGAGATGGACAAAGCGGCTGCCGGCCCTAAGGGGCCT-3'